The following is an entry in ClinVar:

ClinVar aggregate classification (germline): Uncertain significance. Review status: criteria provided, multiple submitters, no conflicts (2 of 4 stars). 2 submissions from 2 submitters: Uncertain significance (2). Last evaluated 2023-05-02.

Conditions:
Hereditary cancer-predisposing syndrome. Also called: Tumor predisposition; Hereditary neoplastic syndrome; Hereditary Cancer Syndrome; Neoplastic Syndromes, Hereditary. Identifiers: Orphanet 140162, MedGen C0027672, MeSH D009386, MONDO:0015356.
Familial adenomatous polyposis 1 (FAP1). Also called: FAMILIAL ADENOMATOUS POLYPOSIS 1, ATTENUATED; POLYPOSIS, ADENOMATOUS INTESTINAL. Identifiers: MedGen C2713442, MONDO:0021056, OMIM 175100. Disease mechanism: loss of function.

Submissions (2):

Ambry Genetics
Classification: Uncertain significance for Hereditary cancer-predisposing syndrome. Last evaluated: 2023-05-02. Review status: criteria provided, single submitter. Criteria: Ambry Variant Classification Scheme 2023. Collection method: clinical testing. Allele origin: germline.
Comment: The p.S2825T variant (also known as c.8473T>A), located in coding exon 15 of the APC gene, results from a T to A substitution at nucleotide position 8473. The serine at codon 2825 is replaced by threonine, an amino acid with similar properties. This amino acid position is conserved. In addition, in silico predictors for this gene do not accurately predict pathogenicity. Since supporting evidence is limited at this time, the clinical significance of this alteration remains unclear.

Labcorp Genetics (formerly Invitae), Labcorp
Classification: Uncertain significance for Familial adenomatous polyposis 1. Last evaluated: 2020-01-11. Review status: criteria provided, single submitter. Criteria: Invitae Variant Classification Sherloc (09022015). Collection method: clinical testing. Allele origin: germline.
Comment: This variant is not present in population databases (ExAC no frequency). This sequence change replaces serine with threonine at codon 2825 of the APC protein (p.Ser2825Thr). The serine residue is moderately conserved and there is a small physicochemical difference between serine and threonine. This variant has not been reported in the literature in individuals with APC-related conditions. In summary, the available evidence is currently insufficient to determine the role of this variant in disease. Therefore, it has been classified as a Variant of Uncertain Significance. Algorithms developed to predict the effect of missense changes on protein structure and function (SIFT, PolyPhen-2, Align-GVGD) all suggest that this variant is likely to be tolerated, but these predictions have not been confirmed by published functional studies and their clinical significance is uncertain.

NM_000038.6(APC):c.8473T>A (p.Ser2825Thr)

Gene: APC (APC regulator of Wnt signaling pathway; plus strand). Cytogenetic location: 5q22.2.
Variant type: single nucleotide variant.
Coding change: c.8473T>A on transcript NM_000038.6 (MANE Select); coding-DNA position 8473, T replaced by A.
Protein change: p.Ser2825Thr; replaces serine 2825 with threonine.
Molecular consequence: missense variant.
Genome position (GRCh38, 1-based): chr5:112,844,067, T>A. VCF-style: chr5-112844067-T-A. GRCh37 (hg19) VCF-style: chr5-112179764-T-A.
Other names: c.8473T>A, p.Ser2825Thr (NM_001127510.3, NM_001354895.2); c.8419T>A, p.Ser2807Thr (NM_001127511.3); c.8527T>A, p.Ser2843Thr (NM_001354896.2); c.8503T>A, p.Ser2835Thr (NM_001354897.2); c.8398T>A, p.Ser2800Thr (NM_001354898.2); c.8389T>A, p.Ser2797Thr (NM_001354899.2); c.8350T>A, p.Ser2784Thr (NM_001354900.2); c.8296T>A, p.Ser2766Thr (NM_001354901.2); and 5 more; short protein forms S2542T, S2665T, S2784T, S2766T, S2699T, S2724T, S2797T, S2835T.
Identifiers: ClinVar variation 963429 (VCV000963429.13), dbSNP rs1766756689, ClinGen allele CA16039712.